The following is an entry in ClinVar:

NM_032608.7(MYO18B):c.7666G>A (p.Asp2556Asn)

Gene: MYO18B (myosin XVIIIB; plus strand). Cytogenetic location: 22q12.1.
Variant type: single nucleotide variant.
Coding change: c.7666G>A on transcript NM_032608.7 (MANE Select); coding-DNA position 7666, G replaced by A.
Protein change: p.Asp2556Asn; replaces aspartic acid 2556 with asparagine.
Molecular consequence: missense variant.
Genome position (GRCh38, 1-based): chr22:26,027,640, G>A. VCF-style: chr22-26027640-G-A. GRCh37 (hg19) VCF-style: chr22-26423606-G-A.
Other names: c.7669G>A, p.Asp2557Asn (NM_001318245.2); short protein forms D2557N, D2556N.
Identifiers: ClinVar variation 2063663 (VCV002063663.4), dbSNP rs1240064865, ClinGen allele CA411013292.

ClinVar aggregate classification (germline): Uncertain significance (1 of 4 stars; one submission).

Allele frequency attached by ClinVar (database versions not stated): TOPMed below 0.00001.

Submission:

Labcorp Genetics (formerly Invitae), Labcorp
Classification: Uncertain significance. Last evaluated: 2022-02-20. Review status: criteria provided, single submitter. Criteria: Invitae Variant Classification Sherloc (09022015). Collection method: clinical testing. Allele origin: germline.
Comment: In summary, the available evidence is currently insufficient to determine the role of this variant in disease. Therefore, it has been classified as a Variant of Uncertain Significance. Algorithms developed to predict the effect of missense changes on protein structure and function are either unavailable or do not agree on the potential impact of this missense change (SIFT: "Not Available"; PolyPhen-2: "Probably Damaging"; Align-GVGD: "Not Available"). This variant has not been reported in the literature in individuals affected with MYO18B-related conditions. The frequency data for this variant in the population databases is considered unreliable, as metrics indicate poor data quality at this position in the gnomAD database. This sequence change replaces aspartic acid, which is acidic and polar, with asparagine, which is neutral and polar, at codon 2556 of the MYO18B protein (p.Asp2556Asn).